The following is an entry in ClinVar:

NM_006767.4(LZTR1):c.404G>T (p.Gly135Val)

Gene: LZTR1 (leucine zipper like post translational regulator 1; plus strand). Cytogenetic location: 22q11.21.
Variant type: single nucleotide variant.
Coding change: c.404G>T on transcript NM_006767.4 (MANE Select); coding-DNA position 404, G replaced by T.
Protein change: p.Gly135Val; replaces glycine 135 with valine.
Molecular consequence: missense variant.
Genome position (GRCh38, 1-based): chr22:20,988,013, G>T. VCF-style: chr22-20988013-G-T. GRCh37 (hg19) VCF-style: chr22-21342302-G-T.
Other names: short protein forms G135V.
Identifiers: ClinVar variation 1000399 (VCV001000399.13), dbSNP rs1425031926, ClinGen allele CA410779588.

ClinVar aggregate classification (germline): Uncertain significance. Review status: criteria provided, multiple submitters, no conflicts (2 of 4 stars). 4 submissions from 4 submitters: Uncertain significance (4). Last evaluated 2025-07-01.

Conditions:
Hereditary cancer-predisposing syndrome. Also called: Neoplastic Syndromes, Hereditary; Tumor predisposition; Hereditary Cancer Syndrome; Hereditary neoplastic syndrome. Identifiers: Orphanet 140162, MedGen C0027672, MeSH D009386, MONDO:0015356.
Cardiovascular phenotype. Identifiers: MedGen CN230736.
Noonan syndrome 10 (NS10). Identifiers: Orphanet 648, MedGen C4225280, MONDO:0014693, OMIM 616564.

gnomAD v4.1: 2 of 1,589,008 alleles (0.00013%); highest among the groups gnomAD compares: African/African-American, 0.0013%; no homozygotes.

Submissions (4):

GeneDx
Classification: Uncertain significance. Last evaluated: 2025-07-01. Review status: criteria provided, single submitter. Criteria: GeneDx Variant Classification Process June 2021. Collection method: clinical testing. Allele origin: germline. Affected: yes.
Comment: Not observed at significant frequency in large population cohorts (gnomAD); In silico analysis supports that this missense variant has a deleterious effect on protein structure/function; Has not been previously published as pathogenic or benign to our knowledge

Labcorp Genetics (formerly Invitae), Labcorp
Classification: Uncertain significance. Last evaluated: 2024-10-01. Review status: criteria provided, single submitter. Criteria: Invitae Variant Classification Sherloc (09022015). Collection method: clinical testing. Allele origin: germline.
Comment: This sequence change replaces glycine, which is neutral and non-polar, with valine, which is neutral and non-polar, at codon 135 of the LZTR1 protein (p.Gly135Val). This variant is present in population databases (no rsID available, gnomAD 0.007%). This variant has not been reported in the literature in individuals affected with LZTR1-related conditions. ClinVar contains an entry for this variant (Variation ID: 1000399). Invitae Evidence Modeling of protein sequence and biophysical properties (such as structural, functional, and spatial information, amino acid conservation, physicochemical variation, residue mobility, and thermodynamic stability) indicates that this missense variant is not expected to disrupt LZTR1 protein function with a negative predictive value of 80%. In summary, the available evidence is currently insufficient to determine the role of this variant in disease. Therefore, it has been classified as a Variant of Uncertain Significance.

Ambry Genetics
Classification: Uncertain significance for Cardiovascular phenotype; Hereditary cancer-predisposing syndrome. Last evaluated: 2024-09-16. Review status: criteria provided, single submitter. Criteria: Ambry Variant Classification Scheme 2023. Collection method: clinical testing. Allele origin: germline.
Comment: The p.G135V variant (also known as c.404G>T), located in coding exon 5 of the LZTR1 gene, results from a G to T substitution at nucleotide position 404. The glycine at codon 135 is replaced by valine, an amino acid with dissimilar properties. This amino acid position is conserved. In addition, this alteration is predicted to be deleterious by in silico analysis. Since supporting evidence is limited at this time, the clinical significance of this alteration remains unclear.

Illumina Laboratory Services, Illumina
Classification: Uncertain significance for Noonan syndrome 10. Last evaluated: 2023-04-11. Review status: criteria provided, single submitter. Criteria: ICSLVariantClassificationCriteria RUGD 01 April 2020. Collection method: clinical testing. Allele origin: unknown.
Comment: The LZTR1 c.404G>T (p.Gly135Val) missense variant is located in the Kelch domain. To our knowledge, this variant has not been reported in the peer-reviewed literature; however at least two missense variants at the adjacent residue, p.Tyr136, have been reported in individuals with Noonan syndrome (PMID: 30859559). The p.Gly135Val variant is reported in the Genome Aggregation Database in one allele at a frequency of 0.000062 in the African/African American population (version 2.1.1). Multiple lines of computational evidence suggest the variant may impact the gene or gene product. Based on the available evidence, the c.404G>T (p.Gly135Val) variant is classified as a variant of uncertain significance for Noonan syndrome.